The following is an entry in ClinVar:

NM_005732.4(RAD50):c.448G>A (p.Val150Met)

Gene: RAD50 (RAD50 double strand break repair protein; plus strand). Cytogenetic location: 5q31.1.
Variant type: single nucleotide variant.
Coding change: c.448G>A on transcript NM_005732.4 (MANE Select); coding-DNA position 448, G replaced by A.
Protein change: p.Val150Met; replaces valine 150 with methionine.
Molecular consequence: missense variant.
Genome position (GRCh38, 1-based): chr5:132,579,399, G>A. VCF-style: chr5-132579399-G-A. GRCh37 (hg19) VCF-style: chr5-131915091-G-A.
Other names: c.448G>A (NM_005732.3); short protein forms V150M.
Identifiers: ClinVar variation 1388755 (VCV001388755.7), dbSNP rs1580987224, ClinGen allele CA360934091.

ClinVar aggregate classification (germline): Uncertain significance. Review status: criteria provided, multiple submitters, no conflicts (2 of 4 stars). 2 submissions from 2 submitters: Uncertain significance (2). Last evaluated 2024-02-29.

Conditions:
Hereditary cancer-predisposing syndrome. Also called: Neoplastic Syndromes, Hereditary; Tumor predisposition; Hereditary neoplastic syndrome; Hereditary Cancer Syndrome. Identifiers: Orphanet 140162, MedGen C0027672, MeSH D009386, MONDO:0015356.

Allele frequency attached by ClinVar (database versions not stated): gnomAD exomes below 0.00001; TOPMed below 0.00001.
gnomAD v4.1: 3 of 1,613,830 alleles (0.00019%); highest among the groups gnomAD compares: Non-Finnish European, 0.00025%; no homozygotes.

Submissions (2):

Ambry Genetics
Classification: Uncertain significance for Hereditary cancer-predisposing syndrome. Last evaluated: 2024-02-29. Review status: criteria provided, single submitter. Criteria: Ambry Variant Classification Scheme 2023. Collection method: clinical testing. Allele origin: germline.
Comment: The p.V150M variant (also known as c.448G>A), located in coding exon 4 of the RAD50 gene, results from a G to A substitution at nucleotide position 448. The valine at codon 150 is replaced by methionine, an amino acid with highly similar properties. This amino acid position is conserved. In addition, the in silico prediction for this alteration is inconclusive. Based on the available evidence, the clinical significance of this alteration remains unclear.

Labcorp Genetics (formerly Invitae), Labcorp
Classification: Uncertain significance for Hereditary cancer-predisposing syndrome. Last evaluated: 2021-10-23. Review status: criteria provided, single submitter. Criteria: Invitae Variant Classification Sherloc (09022015). Collection method: clinical testing. Allele origin: germline.
Comment: This sequence change replaces valine with methionine at codon 150 of the RAD50 protein (p.Val150Met). The valine residue is highly conserved and there is a small physicochemical difference between valine and methionine. This variant is not present in population databases (ExAC no frequency). This variant has not been reported in the literature in individuals affected with RAD50-related conditions. Algorithms developed to predict the effect of missense changes on protein structure and function are either unavailable or do not agree on the potential impact of this missense change (SIFT: "Deleterious"; PolyPhen-2: "Probably Damaging"; Align-GVGD: "Class C0"). In summary, the available evidence is currently insufficient to determine the role of this variant in disease. Therefore, it has been classified as a Variant of Uncertain Significance.